The following is an entry in ClinVar:

ClinVar aggregate classification (germline): Pathogenic (1 of 4 stars; one submission).

Submission:

Labcorp Genetics (formerly Invitae), Labcorp
Classification: Pathogenic. Last evaluated: 2022-12-03. Review status: criteria provided, single submitter. Criteria: Invitae Variant Classification Sherloc (09022015). Collection method: clinical testing. Allele origin: germline.
Comment: For these reasons, this variant has been classified as Pathogenic. This variant has not been reported in the literature in individuals affected with POLE-related conditions. This variant is a gross deletion of the genomic region encompassing exon(s) 2-45 of the POLE gene. This deletion is out-of-frame, and is expected to create a premature termination codon and result in an absent or disrupted protein product. Loss-of-function variants in POLE are known to be pathogenic (PMID: 23230001, 25948378, 30503519).

Literature cited by the submitters: PubMed 23230001; PubMed 25948378; PubMed 30503519.

NC_000012.11:g.(?_133208891)_(133257875_?)del

Gene: POLE (DNA polymerase epsilon, catalytic subunit; minus strand). Cytogenetic location: 12q24.33.
Variant type: Deletion.
Identifiers: ClinVar variation 1020374 (VCV001020374.8).